The following is an entry in ClinVar:

NM_182961.4(SYNE1):c.7976C>A (p.Thr2659Asn)

Gene: SYNE1 (spectrin repeat containing nuclear envelope protein 1; minus strand). Cytogenetic location: 6q25.2.
Variant type: single nucleotide variant.
Coding change: c.7976C>A on transcript NM_182961.4 (MANE Select); coding-DNA position 7976, C replaced by A.
Protein change: p.Thr2659Asn; replaces threonine 2659 with asparagine.
Molecular consequence: missense variant.
Genome position (GRCh38, 1-based): chr6:152,391,305, G>T on the plus strand (C>A on the coding strand, the complement: SYNE1 is on the minus strand). VCF-style: chr6-152391305-G-T. GRCh37 (hg19) VCF-style: chr6-152712440-G-T.
Other names: p.Thr2666Asn; c.7997C>A, p.Thr2666Asn (NM_033071.5); short protein forms T2659N, T2666N.
Identifiers: ClinVar variation 197940 (VCV000197940.69), dbSNP rs117480635, ClinGen allele CA246340.

ClinVar aggregate classification (germline): Conflicting classifications of pathogenicity. Review status: criteria provided, conflicting classifications (1 of 4 stars). 11 submissions from 10 submitters: Uncertain significance (2); Benign (2); Likely benign (7). Last evaluated 2026-09-01.

Conditions:
Arthrogryposis syndrome. Identifiers: Orphanet 109007, MedGen CN261653, MONDO:0015225.
Inborn genetic diseases. Identifiers: MedGen C0950123, MeSH D030342.
Emery-Dreifuss muscular dystrophy 4, autosomal dominant (EDMD4). Also called: EMERY-DREIFUSS MUSCULAR DYSTROPHY 4 WITH VARIABLE FEATURES. Identifiers: Orphanet 261, MedGen C2751807, MONDO:0013071, OMIM 612998.
Autosomal recessive ataxia, Beauce type. Also called: SYNE1 Deficiency; ATAXIA, RECESSIVE, OF BEAUCE; Spinocerebellar ataxia, autosomal recessive 8; SYNE1-Related Autosomal Recessive Cerebellar Ataxia. Identifiers: Orphanet 88644, MedGen C1853116, MONDO:0012549, OMIM 610743.

Allele frequency attached by ClinVar (database versions not stated): 1000 Genomes Project 0.00160; gnomAD 0.00166; 1000 Genomes Project 30x 0.00172; ExAC 0.00239; ESP Exome Variant Server 0.00261; TOPMed 0.00269.
gnomAD v4.1: 5,428 of 1,614,040 alleles (0.34%); highest among the groups gnomAD compares: Non-Finnish European, 0.42%; 16 homozygotes.

Submissions (11):

CeGaT Center for Human Genetics Tuebingen
Classification: Likely benign. Last evaluated: 2026-09-01. Review status: criteria provided, single submitter. Criteria: CeGaT Center For Human Genetics Tuebingen Variant Classification Criteria Version 2. Collection method: clinical testing. Allele origin: germline. Affected: yes. Observed: 18 variant alleles.
Comment: SYNE1: BP4, BS2

Labcorp Genetics (formerly Invitae), Labcorp
Classification: Likely benign for Emery-Dreifuss muscular dystrophy 4, autosomal dominant; Autosomal recessive ataxia, Beauce type. Last evaluated: 2026-02-01. Review status: criteria provided, single submitter. Criteria: Invitae Variant Classification Sherloc (09022015). Collection method: clinical testing. Allele origin: germline.

Athena Diagnostics
Classification: Likely benign. Last evaluated: 2024-12-23. Review status: criteria provided, single submitter. Criteria: Athena Diagnostics Criteria. Collection method: clinical testing. Allele origin: unknown.
Comment: The frequency of this variant in the general population is higher than would generally be expected for pathogenic variants in this gene. Computational tools predict this amino acid change may be benign.

Blueprint Genetics
Classification: Likely benign. Last evaluated: 2024-11-26. Review status: criteria provided, single submitter. Criteria: ACMG Guidelines, 2015. Collection method: clinical testing. Allele origin: germline.

Mayo Clinic Laboratories, Mayo Clinic
Classification: Benign. Last evaluated: 2024-08-19. Review status: criteria provided, single submitter. Criteria: ACMG Guidelines, 2015. Collection method: clinical testing. Allele origin: germline. Observed: 5 variant alleles.
Comment: BS1, BS2, BP4

GeneDx
Classification: Likely benign. Last evaluated: 2022-12-28. Review status: criteria provided, single submitter. Criteria: GeneDx Variant Classification Process June 2021. Collection method: clinical testing. Allele origin: germline. Affected: yes.
Comment: See Variant Classification Assertion Criteria.

Ambry Genetics
Classification: Uncertain significance for Inborn genetic diseases. Last evaluated: 2021-09-14. Review status: criteria provided, single submitter. Criteria: Ambry Variant Classification Scheme 2023. Collection method: clinical testing. Allele origin: germline.

Cambridge Genomics Laboratory, East Genomic Laboratory Hub, NHS Genomic Medicine Service
Classification: Uncertain significance for Arthrogryposis syndrome. Last evaluated: 2020-03-27. Review status: criteria provided, single submitter. Criteria: ACGS Best Practice Guidelines for Variant Classification in Rare Disease 2020. Collection method: clinical testing. Allele origin: germline. Affected: yes. Observed: 1 variant allele.

Illumina Laboratory Services, Illumina
Classification: Benign for Emery-Dreifuss muscular dystrophy 4, autosomal dominant. Last evaluated: 2018-01-13. Review status: criteria provided, single submitter. Criteria: ICSL Variant Classification Criteria 13 December 2019. Collection method: clinical testing. Allele origin: germline.
Comment: This variant was observed in the ICSL laboratory as part of a predisposition screen in an ostensibly healthy population. It had not been previously curated by ICSL or reported in the Human Gene Mutation Database (HGMD: prior to June 1st, 2018), and was therefore a candidate for classification through an automated scoring system. Utilizing variant allele frequency, disease prevalence and penetrance estimates, and inheritance mode, an automated score was calculated to assess if this variant is too frequent to cause the disease. Based on the score and internal cut-off values, a variant classified as benign is not then subjected to further curation. The score for this variant resulted in a classification of benign for this disease.

Illumina Laboratory Services, Illumina
Classification: Likely benign for Autosomal recessive ataxia, Beauce type. Last evaluated: 2018-01-13. Review status: criteria provided, single submitter. Criteria: ICSL Variant Classification Criteria 13 December 2019. Collection method: clinical testing. Allele origin: germline.
Comment: This variant was observed in the ICSL laboratory as part of a predisposition screen in an ostensibly healthy population. It had not been previously curated by ICSL or reported in the Human Gene Mutation Database (HGMD: prior to June 1st, 2018), and was therefore a candidate for classification through an automated scoring system. Utilizing variant allele frequency, disease prevalence and penetrance estimates, and inheritance mode, an automated score was calculated to assess if this variant is too frequent to cause the disease. Based on the score and internal cut-off values, a variant classified as likely benign is not then subjected to further curation. The score for this variant resulted in a classification of likely benign for this disease.

Eurofins Ntd Llc (ga)
Classification: Likely benign. Last evaluated: 2016-06-09. Review status: criteria provided, single submitter. Criteria: EGL Classification Definitions 2015. Collection method: clinical testing. Allele origin: germline. Observed: 6 variant alleles, 6 heterozygotes.

Literature cited by the submitters: PubMed 29970176 (cited by Athena Diagnostics); PubMed 29482223 (cited by Athena Diagnostics).